The following is an entry in ClinVar:

ClinVar aggregate classification (germline): Uncertain significance (1 of 4 stars; one submission).

Submission:

Labcorp Genetics (formerly Invitae), Labcorp
Classification: Uncertain significance. Last evaluated: 2023-03-18. Review status: criteria provided, single submitter. Criteria: Invitae Variant Classification Sherloc (09022015). Collection method: clinical testing. Allele origin: germline.
Comment: This sequence change replaces proline, which is neutral and non-polar, with leucine, which is neutral and non-polar, at codon 1644 of the KAT6A protein (p.Pro1644Leu). This variant is not present in population databases (gnomAD no frequency). This variant has not been reported in the literature in individuals affected with KAT6A-related conditions. Experimental studies and prediction algorithms are not available or were not evaluated, and the functional significance of this variant is currently unknown. In summary, the available evidence is currently insufficient to determine the role of this variant in disease. Therefore, it has been classified as a Variant of Uncertain Significance.

NM_006766.5(KAT6A):c.4931C>T (p.Pro1644Leu)

Gene: KAT6A (lysine acetyltransferase 6A; minus strand). Cytogenetic location: 8p11.21.
Variant type: single nucleotide variant.
Coding change: c.4931C>T on transcript NM_006766.5 (MANE Select); coding-DNA position 4931, C replaced by T.
Protein change: p.Pro1644Leu; replaces proline 1644 with leucine.
Molecular consequence: missense variant.
Genome position (GRCh38, 1-based): chr8:41,933,289, G>A on the plus strand (C>T on the coding strand, the complement: KAT6A is on the minus strand). VCF-style: chr8-41933289-G-A. GRCh37 (hg19) VCF-style: chr8-41790807-G-A.
Other names: short protein forms P1644L.
Identifiers: ClinVar variation 2792083 (VCV002792083.3), dbSNP rs2486753274, ClinGen allele CA371064202.